The following is an entry in ClinVar:

NM_002878.4(RAD51D):c.287G>A (p.Gly96Asp)

Genes: RAD51D (RAD51 paralog D; minus strand), RAD51L3-RFFL (RAD51L3-RFFL readthrough; minus strand). Cytogenetic location: 17q12.
Variant type: single nucleotide variant.
Coding change: c.287G>A on transcript NM_002878.4 (MANE Select); coding-DNA position 287, G replaced by A.
Protein change: p.Gly96Asp; replaces glycine 96 with aspartic acid.
Molecular consequence: missense variant. On other transcripts: non-coding transcript variant (2), intron variant (1).
Genome position (GRCh38, 1-based): chr17:35,107,424, C>T on the plus strand (G>A on the coding strand, the complement: RAD51D is on the minus strand). VCF-style: chr17-35107424-C-T. GRCh37 (hg19) VCF-style: chr17-33434443-C-T.
Other names: c.347G>A, p.Gly116Asp (NM_001142571.2); c.145-943G>A (NM_133629.3); short protein forms G116D, G96D.
Identifiers: ClinVar variation 4149902 (VCV004149902.1).

ClinVar aggregate classification (germline): Uncertain significance (1 of 4 stars; one submission).

Conditions:
Hereditary cancer-predisposing syndrome. Also called: Hereditary neoplastic syndrome; Neoplastic Syndromes, Hereditary; Tumor predisposition; Hereditary Cancer Syndrome. Identifiers: Orphanet 140162, MedGen C0027672, MeSH D009386, MONDO:0015356.

Submission:

Ambry Genetics
Classification: Uncertain significance for Hereditary cancer-predisposing syndrome. Last evaluated: 2025-07-28. Review status: criteria provided, single submitter. Criteria: Ambry Variant Classification Scheme 2023. Collection method: clinical testing. Allele origin: germline.
Comment: The p.G96D variant (also known as c.287G>A), located in coding exon 4 of the RAD51D gene, results from a G to A substitution at nucleotide position 287. The glycine at codon 96 is replaced by aspartic acid, an amino acid with similar properties. This amino acid position is conserved. In addition, this alteration is predicted to be deleterious by in silico analysis. Based on the available evidence, the clinical significance of this variant remains unclear.